The following is an entry in ClinVar:

ClinVar aggregate classification (germline): Likely pathogenic (1 of 4 stars; one submission).

Conditions:
Mucopolysaccharidosis, MPS-III-B (MPS3B). Also called: N-ACETYL-ALPHA-D-GLUCOSAMINIDASE DEFICIENCY; NAGLU DEFICIENCY; SANFILIPPO SYNDROME B; MPS III B; MPS IIIB (Sanfilippo Syndrome Type B); MUCOPOLYSACCHARIDOSIS, TYPE IIIB. Identifiers: Orphanet 79270, MedGen C0086648, MONDO:0009656, OMIM 252920.
Charcot-Marie-Tooth disease axonal type 2V. Also called: CHARCOT-MARIE-TOOTH NEUROPATHY, TYPE 2V; CHARCOT-MARIE-TOOTH DISEASE, AXONAL, AUTOSOMAL DOMINANT, TYPE 2V. Identifiers: Orphanet 447964, MedGen C5569050, MONDO:0014665, OMIM 616491.

Submission:

Labcorp Genetics (formerly Invitae), Labcorp
Classification: Likely pathogenic for Charcot-Marie-Tooth disease axonal type 2V; Mucopolysaccharidosis, MPS-III-B. Last evaluated: 2023-08-04. Review status: criteria provided, single submitter. Criteria: Invitae Variant Classification Sherloc (09022015). Collection method: clinical testing. Allele origin: germline.
Comment: In summary, the currently available evidence indicates that the variant is pathogenic, but additional data are needed to prove that conclusively. Therefore, this variant has been classified as Likely Pathogenic. This variant disrupts the p.Tyr309 amino acid residue in NAGLU. Other variant(s) that disrupt this residue have been determined to be pathogenic (PMID: 11836372, 16151907, 25466957). This suggests that this residue is clinically significant, and that variants that disrupt this residue are likely to be disease-causing. Advanced modeling of protein sequence and biophysical properties (such as structural, functional, and spatial information, amino acid conservation, physicochemical variation, residue mobility, and thermodynamic stability) performed at Invitae indicates that this missense variant is expected to disrupt NAGLU protein function. ClinVar contains an entry for this variant (Variation ID: 1473772). This variant has not been reported in the literature in individuals affected with NAGLU-related conditions. This variant is not present in population databases (gnomAD no frequency). This sequence change replaces tyrosine, which is neutral and polar, with histidine, which is basic and polar, at codon 309 of the NAGLU protein (p.Tyr309His).

Literature cited by the submitters: PubMed 11836372; PubMed 16151907; PubMed 25466957.

NM_000263.4(NAGLU):c.925T>C (p.Tyr309His)

Gene: NAGLU (N-acetyl-alpha-glucosaminidase; plus strand). Cytogenetic location: 17q21.2.
Variant type: single nucleotide variant.
Coding change: c.925T>C on transcript NM_000263.4 (MANE Select); coding-DNA position 925, T replaced by C.
Protein change: p.Tyr309His; replaces tyrosine 309 with histidine.
Molecular consequence: missense variant.
Genome position (GRCh38, 1-based): chr17:42,541,110, T>C. VCF-style: chr17-42541110-T-C. GRCh37 (hg19) VCF-style: chr17-40693128-T-C.
Other names: short protein forms Y309H.
Identifiers: ClinVar variation 1473772 (VCV001473772.6), dbSNP rs2143099180, ClinGen allele CA399600223.